The following is an entry in ClinVar:

NM_004839.4(HOMER2):c.819C>T (p.Cys273=)

Gene: HOMER2 (homer scaffold protein 2; minus strand). Cytogenetic location: 15q25.2.
Variant type: single nucleotide variant.
Coding change: c.819C>T on transcript NM_004839.4 (MANE Select); coding-DNA position 819, C replaced by T.
Protein change: p.Cys273=; no amino-acid change (cysteine 273 retained).
Molecular consequence: synonymous variant.
Genome position (GRCh38, 1-based): chr15:82,851,175, G>A on the plus strand (C>T on the coding strand, the complement: HOMER2 is on the minus strand). VCF-style: chr15-82851175-G-A. GRCh37 (hg19) VCF-style: chr15-83519927-G-A.
Other names: p.Cys273=; c.819C>T (NM_004839.3); c.852C>T, p.Cys284= (NM_199330.3).
Identifiers: ClinVar variation 508589 (VCV000508589.16), dbSNP rs74416301, ClinGen allele CA7701994.
Genomic context (GRCh38, chr15:82,851,175, plus strand): 5'-TCTGAGCCAGGATGGCTGTGCCCCCAACCCACGTACCTCTAGCTTCTCAGAGACATATTC[G>A]CACTCTGACATGAGCTGAGGTATGATTTCACTTTGTTTTCGGAGATCTTTCAGCTCCTAC-3'
Protein context (NP_004830.2, residues 263-283): SEIIPQLMSE[Cys273=]EYVSEKLEAA

ClinVar aggregate classification (germline): Benign/Likely benign. Review status: criteria provided, multiple submitters, no conflicts (2 of 4 stars). 7 submissions from 7 submitters: Benign (5); Likely benign (1). 1 of the submissions does not count toward it. Last evaluated 2026-01-26.

Conditions:
HOMER2-related disorder. Also called: HOMER2-related condition.

Allele frequency attached by ClinVar (database versions not stated): ExAC 0.01865; 1000 Genomes Project 0.00579; 1000 Genomes Project 30x 0.00593; gnomAD exomes 0.01035 and 0.01584; gnomAD 0.01052 and 0.01088; TOPMed 0.01131; ESP Exome Variant Server 0.01329.
gnomAD v4.1: 24,115 of 1,578,498 alleles (1.5%); highest among the groups gnomAD compares: Non-Finnish European, 1.8%; 182 homozygotes.

Submissions (30):

Labcorp Genetics (formerly Invitae), Labcorp
Classification: Benign. Last evaluated: 2026-01-26. Review status: criteria provided, single submitter. Criteria: Invitae Variant Classification Sherloc (09022015). Collection method: clinical testing. Allele origin: germline.

Blueprint Genetics
Classification: Likely benign. Last evaluated: 2024-11-25. Review status: criteria provided, single submitter. Criteria: ACMG Guidelines, 2015. Collection method: clinical testing. Allele origin: germline.

Mayo Clinic Laboratories, Mayo Clinic
Classification: Benign. Last evaluated: 2020-12-03. Review status: criteria provided, single submitter. Criteria: ACMG Guidelines, 2015. Collection method: clinical testing. Allele origin: germline. Observed: 5 variant alleles.

Athena Diagnostics
Classification: Benign. Last evaluated: 2018-11-16. Review status: criteria provided, single submitter. Criteria: Athena Diagnostics Criteria. Collection method: clinical testing. Allele origin: germline.

GeneDx
Classification: Benign. Last evaluated: 2017-12-28. Review status: criteria provided, single submitter. Criteria: GeneDx Variant Classification (06012015). Collection method: clinical testing. Allele origin: germline. Affected: yes.
Comment: This variant is considered likely benign or benign based on one or more of the following criteria: it is a conservative change, it occurs at a poorly conserved position in the protein, it is predicted to be benign by multiple in silico algorithms, and/or has population frequency not consistent with disease.

Breakthrough Genomics
Classification: Benign. Review status: criteria provided, single submitter. Criteria: ACMG Guidelines, 2015. Collection method: not provided. Allele origin: germline. Inheritance: Autosomal dominant inheritance. Affected: yes.

PreventionGenetics, part of Exact Sciences
Classification: Benign for HOMER2-related condition. Last evaluated: 2019-09-04. Review status: no assertion criteria provided. Collection method: clinical testing. Allele origin: germline. Not counted in ClinVar's aggregate classification.
Comment: This variant is classified as benign based on ACMG/AMP sequence variant interpretation guidelines (Richards et al. 2015 PMID: 25741868, with internal and published modifications).

Dr. Peter K. Rogan Lab, Western University
No classification provided (evidence only). Condition: Clear cell carcinoma of kidney. Review status: no classification provided. Collection method: in vitro. Allele origin: not applicable. Functional consequence: retained intron. Not counted in ClinVar's aggregate classification.

Dr. Peter K. Rogan Lab, Western University
No classification provided (evidence only). Condition: Lung cancer. Review status: no classification provided. Collection method: in vitro. Allele origin: not applicable. Functional consequence: retained intron. Not counted in ClinVar's aggregate classification.

Dr. Peter K. Rogan Lab, Western University
No classification provided (evidence only). Condition: Acute myeloid leukemia. Review status: no classification provided. Collection method: in vitro. Allele origin: not applicable. Functional consequence: retained intron. Not counted in ClinVar's aggregate classification.

Dr. Peter K. Rogan Lab, Western University
No classification provided (evidence only). Condition: Acute myeloid leukemia. Review status: no classification provided. Collection method: in vitro. Allele origin: not applicable. Functional consequence: retained intron. Not counted in ClinVar's aggregate classification.

Dr. Peter K. Rogan Lab, Western University
No classification provided (evidence only). Condition: Acute myeloid leukemia. Review status: no classification provided. Collection method: in vitro. Allele origin: not applicable. Functional consequence: retained intron. Not counted in ClinVar's aggregate classification.

Dr. Peter K. Rogan Lab, Western University
No classification provided (evidence only). Condition: Acute myeloid leukemia. Review status: no classification provided. Collection method: in vitro. Allele origin: not applicable. Functional consequence: retained intron. Not counted in ClinVar's aggregate classification.

Dr. Peter K. Rogan Lab, Western University
No classification provided (evidence only). Condition: Acute myeloid leukemia. Review status: no classification provided. Collection method: in vitro. Allele origin: not applicable. Functional consequence: retained intron. Not counted in ClinVar's aggregate classification.

Dr. Peter K. Rogan Lab, Western University
No classification provided (evidence only). Condition: Acute myeloid leukemia. Review status: no classification provided. Collection method: in vitro. Allele origin: not applicable. Functional consequence: retained intron. Not counted in ClinVar's aggregate classification.

Dr. Peter K. Rogan Lab, Western University
No classification provided (evidence only). Condition: Thyroid cancer, nonmedullary, 1. Review status: no classification provided. Collection method: in vitro. Allele origin: not applicable. Functional consequence: retained intron. Not counted in ClinVar's aggregate classification.

Dr. Peter K. Rogan Lab, Western University
No classification provided (evidence only). Condition: Uterine corpus endometrial carcinoma. Review status: no classification provided. Collection method: in vitro. Allele origin: not applicable. Functional consequence: retained intron. Not counted in ClinVar's aggregate classification.

Dr. Peter K. Rogan Lab, Western University
No classification provided (evidence only). Condition: Cervical cancer. Review status: no classification provided. Collection method: in vitro. Allele origin: not applicable. Functional consequence: retained intron. Not counted in ClinVar's aggregate classification.

Dr. Peter K. Rogan Lab, Western University
No classification provided (evidence only). Condition: Sarcoma. Review status: no classification provided. Collection method: in vitro. Allele origin: not applicable. Functional consequence: retained intron. Not counted in ClinVar's aggregate classification.

Dr. Peter K. Rogan Lab, Western University
No classification provided (evidence only). Condition: Nonpapillary renal cell carcinoma. Review status: no classification provided. Collection method: in vitro. Allele origin: not applicable. Functional consequence: retained intron. Not counted in ClinVar's aggregate classification.

Dr. Peter K. Rogan Lab, Western University
No classification provided (evidence only). Condition: Thymoma. Review status: no classification provided. Collection method: in vitro. Allele origin: not applicable. Functional consequence: retained intron. Not counted in ClinVar's aggregate classification.

Dr. Peter K. Rogan Lab, Western University
No classification provided (evidence only). Condition: Ovarian serous cystadenocarcinoma. Review status: no classification provided. Collection method: in vitro. Allele origin: not applicable. Functional consequence: retained intron. Not counted in ClinVar's aggregate classification.

Dr. Peter K. Rogan Lab, Western University
No classification provided (evidence only). Condition: Ovarian serous cystadenocarcinoma. Review status: no classification provided. Collection method: in vitro. Allele origin: not applicable. Functional consequence: retained intron. Not counted in ClinVar's aggregate classification.

Dr. Peter K. Rogan Lab, Western University
No classification provided (evidence only). Condition: Ovarian serous cystadenocarcinoma. Review status: no classification provided. Collection method: in vitro. Allele origin: not applicable. Functional consequence: retained intron. Not counted in ClinVar's aggregate classification.

Dr. Peter K. Rogan Lab, Western University
No classification provided (evidence only). Condition: Ovarian serous cystadenocarcinoma. Review status: no classification provided. Collection method: in vitro. Allele origin: not applicable. Functional consequence: retained intron. Not counted in ClinVar's aggregate classification.

Dr. Peter K. Rogan Lab, Western University
No classification provided (evidence only). Condition: Ovarian serous cystadenocarcinoma. Review status: no classification provided. Collection method: in vitro. Allele origin: not applicable. Functional consequence: retained intron. Not counted in ClinVar's aggregate classification.

Dr. Peter K. Rogan Lab, Western University
No classification provided (evidence only). Condition: Ovarian serous cystadenocarcinoma. Review status: no classification provided. Collection method: in vitro. Allele origin: not applicable. Functional consequence: retained intron. Not counted in ClinVar's aggregate classification.

Dr. Peter K. Rogan Lab, Western University
No classification provided (evidence only). Condition: Ovarian serous cystadenocarcinoma. Review status: no classification provided. Collection method: in vitro. Allele origin: not applicable. Functional consequence: retained intron. Not counted in ClinVar's aggregate classification.

Dr. Peter K. Rogan Lab, Western University
No classification provided (evidence only). Condition: Malignant tumor of esophagus. Review status: no classification provided. Collection method: in vitro. Allele origin: not applicable. Functional consequence: retained intron. Not counted in ClinVar's aggregate classification.

Dr. Peter K. Rogan Lab, Western University
No classification provided (evidence only). Condition: Malignant tumor of esophagus. Review status: no classification provided. Collection method: in vitro. Allele origin: not applicable. Functional consequence: retained intron. Not counted in ClinVar's aggregate classification.